The following is an entry in ClinVar:

ClinVar aggregate classification (germline): Uncertain significance. Review status: criteria provided, multiple submitters, no conflicts (2 of 4 stars). 2 submissions from 2 submitters: Uncertain significance (2). Last evaluated 2025-06-22.

Conditions:
Inborn genetic diseases. Identifiers: MedGen C0950123, MeSH D030342.
Baller-Gerold syndrome (BGS). Also called: CRANIOSYNOSTOSIS WITH RADIAL DEFECTS. Identifiers: Orphanet 1225, MedGen C0265308, MONDO:0009039, OMIM 218600.

Allele frequency attached by ClinVar (database versions not stated): gnomAD 0.00001; TOPMed 0.00001.
gnomAD v4.1: 1 of 1,612,764 alleles (0.000062%); highest among the groups gnomAD compares: African/African-American, 0.0013%; no homozygotes.

Submissions (2):

Ambry Genetics
Classification: Uncertain significance for Inborn genetic diseases. Last evaluated: 2025-06-22. Review status: criteria provided, single submitter. Criteria: Ambry Variant Classification Scheme 2023. Collection method: clinical testing. Allele origin: germline.
Comment: The p.A337P variant (also known as c.1009G>C), located in coding exon 5 of the RECQL4 gene, results from a G to C substitution at nucleotide position 1009. The alanine at codon 337 is replaced by proline, an amino acid with highly similar properties. This amino acid position is conserved. In addition, this alteration is predicted to be tolerated by in silico analysis. Based on the available evidence, the clinical significance of this variant remains unclear.

Labcorp Genetics (formerly Invitae), Labcorp
Classification: Uncertain significance for Baller-Gerold syndrome. Last evaluated: 2019-04-28. Review status: criteria provided, single submitter. Criteria: Invitae Variant Classification Sherloc (09022015). Collection method: clinical testing. Allele origin: germline.
Comment: This sequence change replaces alanine with proline at codon 337 of the RECQL4 protein (p.Ala337Pro). The alanine is moderately conserved and there is a small physicochemical difference between alanine and proline. This variant is not present in population databases (ExAC no frequency). This variant has not been reported in the literature in individuals with RECQL4-related disease. Algorithms developed to predict the effect of missense changes on protein structure and function (SIFT, PolyPhen-2, Align-GVGD) all suggest that this variant is likely to be tolerated, but these predictions have not been confirmed by published functional studies and their clinical significance is uncertain. In summary, the available evidence is currently insufficient to determine the role of this variant in disease. Therefore, it has been classified as a Variant of Uncertain Significance.

NM_004260.4(RECQL4):c.1009G>C (p.Ala337Pro)

Gene: RECQL4 (RecQ like helicase 4; minus strand). Cytogenetic location: 8q24.3.
Variant type: single nucleotide variant.
Coding change: c.1009G>C on transcript NM_004260.4 (MANE Select); coding-DNA position 1009, G replaced by C.
Protein change: p.Ala337Pro; replaces alanine 337 with proline.
Molecular consequence: missense variant.
Genome position (GRCh38, 1-based): chr8:144,516,110, C>G on the plus strand (G>C on the coding strand, the complement: RECQL4 is on the minus strand). VCF-style: chr8-144516110-C-G. GRCh37 (hg19) VCF-style: chr8-145741494-C-G.
Other names: short protein forms A337P.
Identifiers: ClinVar variation 575295 (VCV000575295.4), dbSNP rs1171953080, ClinGen allele CA372688339.